The following is an entry in ClinVar:

NM_000135.4(FANCA):c.2911G>T (p.Gly971Trp)

Gene: FANCA (FA complementation group A; minus strand). Cytogenetic location: 16q24.3.
Variant type: single nucleotide variant.
Coding change: c.2911G>T on transcript NM_000135.4 (MANE Select); coding-DNA position 2911, G replaced by T.
Protein change: p.Gly971Trp; replaces glycine 971 with tryptophan.
Molecular consequence: missense variant.
Genome position (GRCh38, 1-based): chr16:89,758,647, C>A on the plus strand (G>T on the coding strand, the complement: FANCA is on the minus strand). VCF-style: chr16-89758647-C-A. GRCh37 (hg19) VCF-style: chr16-89825055-C-A.
Other names: c.2911G>T, p.Gly971Trp (NM_001286167.3); short protein forms G971W.
Identifiers: ClinVar variation 4619227 (VCV004619227.1).
Genomic context (GRCh38, chr16:89,758,647, plus strand): 5'-AATCCATCAGTGCGTTGACAAGAATGGTACACGCAGCCTGCAGGTCTCCGTCACAGCCCC[C>A]TGAAGCCGAGGACTCAGGGAGAAAGTGCTCATGGATCGCCCACTGGTGGAAGTCCTGCCT-3'
Protein context (NP_000126.2, residues 961-981): EHFLPESSAS[Gly971Trp]GCDGDLQAAC

ClinVar aggregate classification (germline): Uncertain significance (1 of 4 stars; one submission).

Conditions:
Inborn genetic diseases. Identifiers: MedGen C0950123, MeSH D030342.

gnomAD v4.1: 1 of 1,613,966 alleles (0.000062%); highest among the groups gnomAD compares: Non-Finnish European, 0.000085%; no homozygotes.

Submission:

Ambry Genetics
Classification: Uncertain significance for Inborn genetic diseases. Last evaluated: 2025-10-27. Review status: criteria provided, single submitter. Criteria: Ambry Variant Classification Scheme 2023. Collection method: clinical testing. Allele origin: germline.
Comment: The p.G971W variant (also known as c.2911G>T), located in coding exon 30 of the FANCA gene, results from a G to T substitution at nucleotide position 2911. The glycine at codon 971 is replaced by tryptophan, an amino acid with highly dissimilar properties. This amino acid position is conserved. In addition, this alteration is predicted to be deleterious by in silico analysis. Based on the available evidence, the clinical significance of this variant remains unclear.